The following is an entry in ClinVar:

NM_004415.4(DSP):c.2502A>G (p.Lys834=)

Gene: DSP (desmoplakin; plus strand). Cytogenetic location: 6p24.3.
Variant type: single nucleotide variant.
Coding change: c.2502A>G on transcript NM_004415.4 (MANE Select); coding-DNA position 2502, A replaced by G.
Protein change: p.Lys834=; no amino-acid change (lysine 834 retained).
Molecular consequence: synonymous variant.
Genome position (GRCh38, 1-based): chr6:7,575,360, A>G. VCF-style: chr6-7575360-A-G. GRCh37 (hg19) VCF-style: chr6-7575593-A-G.
Other names: c.2502A>G, p.Lys834= (NM_001008844.3, NM_001319034.2).
Identifiers: ClinVar variation 919749 (VCV000919749.12), dbSNP rs764842338, ClinGen allele CA033672.

ClinVar aggregate classification (germline): Likely benign. Review status: criteria provided, multiple submitters, no conflicts (2 of 4 stars). 4 submissions from 4 submitters: Likely benign (4). Last evaluated 2025-04-12.

Conditions:
Cardiomyopathy (CMYO). Also called: Cardiomyopathies. Identifiers: Orphanet 167848, MedGen C0878544, MONDO:0004994, HP:0001638. Inheritance: Various modes of inheritance.
Arrhythmogenic cardiomyopathy with wooly hair and keratoderma. Also called: PALMOPLANTAR KERATODERMA WITH LEFT VENTRICULAR CARDIOMYOPATHY AND WOOLLY HAIR; Carvajal syndrome; Dilated cardiomyopathy with woolly hair and keratoderma; Arrhythmogenic cardiomyopathy with woolly hair and keratoderma. Identifiers: Orphanet 65282, MedGen C1854063, MONDO:0011581, OMIM 605676.
Cardiovascular phenotype. Identifiers: MedGen CN230736.
Arrhythmogenic right ventricular dysplasia 8 (ARVD8). Also called: Arrhythmogenic Right Ventricular Dysplasia/Cardiomyopathy 8; ARRHYTHMOGENIC RIGHT VENTRICULAR DYSPLASIA, FAMILIAL, 8; ARRHYTHMOGENIC RIGHT VENTRICULAR CARDIOMYOPATHY 8. Identifiers: MedGen C1843896, MONDO:0011831, OMIM 607450.

Allele frequency attached by ClinVar (database versions not stated): TOPMed below 0.00001; ExAC 0.00001; gnomAD exomes 0.00001.
gnomAD v4.1: 8 of 1,614,160 alleles (0.0005%); highest among the groups gnomAD compares: Non-Finnish European, 0.00068%; no homozygotes.

Submissions (4):

Ambry Genetics
Classification: Likely benign for Cardiovascular phenotype. Last evaluated: 2025-04-12. Review status: criteria provided, single submitter. Criteria: Ambry Variant Classification Scheme 2023. Collection method: clinical testing. Allele origin: germline.

Labcorp Genetics (formerly Invitae), Labcorp
Classification: Likely benign for Arrhythmogenic cardiomyopathy with wooly hair and keratoderma; Arrhythmogenic right ventricular dysplasia 8. Last evaluated: 2025-02-04. Review status: criteria provided, single submitter. Criteria: Invitae Variant Classification Sherloc (09022015). Collection method: clinical testing. Allele origin: germline.

All of Us Research Program, National Institutes of Health
Classification: Likely benign for Arrhythmogenic cardiomyopathy with wooly hair and keratoderma. Last evaluated: 2023-09-04. Review status: criteria provided, single submitter. Criteria: ACMG Guidelines, 2015. Collection method: clinical testing. Allele origin: germline. Inheritance: Autosomal dominant inheritance. Observed: 3 variant alleles, 3 heterozygotes.
Comment: This study involves interpretation of variants in research participants for the purpose of population health screening. Participant phenotype was not available at the time of variant classification. Additional details can be found in publication PMID: 35346344, PMCID: PMC8962531

Color Diagnostics, LLC DBA Color Health
Classification: Likely benign for Cardiomyopathy. Last evaluated: 2020-03-17. Review status: criteria provided, single submitter. Criteria: ACMG Guidelines, 2015. Collection method: clinical testing. Allele origin: germline.